The following is an entry in ClinVar:

NM_032856.5(WDR73):c.41T>C (p.Leu14Ser)

Gene: WDR73 (WD repeat domain 73; minus strand). Cytogenetic location: 15q25.2.
Variant type: single nucleotide variant.
Coding change: c.41T>C on transcript NM_032856.5 (MANE Select); coding-DNA position 41, T replaced by C.
Protein change: p.Leu14Ser; replaces leucine 14 with serine.
Molecular consequence: missense variant. On other transcripts: non-coding transcript variant (4).
Genome position (GRCh38, 1-based): chr15:84,654,234, A>G on the plus strand (T>C on the coding strand, the complement: WDR73 is on the minus strand). VCF-style: chr15-84654234-A-G. GRCh37 (hg19) VCF-style: chr15-85197465-A-G.
Other names: short protein forms L14S.
Identifiers: ClinVar variation 2507360 (VCV002507360.1), dbSNP rs781655627, ClinGen allele CA393332536.

ClinVar aggregate classification (germline): Uncertain significance (1 of 4 stars; one submission).

Submission:

GeneDx
Classification: Uncertain significance. Last evaluated: 2022-12-31. Review status: criteria provided, single submitter. Criteria: GeneDx Variant Classification Process June 2021. Collection method: clinical testing. Allele origin: germline. Affected: yes.
Comment: Not observed at significant frequency in large population cohorts (gnomAD); In silico analysis supports that this missense variant does not alter protein structure/function; Has not been previously published as pathogenic or benign to our knowledge